The following is an entry in ClinVar:

NM_003136.4(SRP54):c.673A>G (p.Ile225Val)

Gene: SRP54 (signal recognition particle 54; plus strand). Cytogenetic location: 14q13.2.
Variant type: single nucleotide variant.
Coding change: c.673A>G on transcript NM_003136.4 (MANE Select); coding-DNA position 673, A replaced by G.
Protein change: p.Ile225Val; replaces isoleucine 225 with valine.
Molecular consequence: missense variant.
Genome position (GRCh38, 1-based): chr14:35,013,382, A>G. VCF-style: chr14-35013382-A-G. GRCh37 (hg19) VCF-style: chr14-35482588-A-G.
Other names: c.526A>G, p.Ile176Val (NM_001146282.2); short protein forms I225V, I176V.
Identifiers: ClinVar variation 1508564 (VCV001508564.6), dbSNP rs2139007390, ClinGen allele CA389443009.
Genomic context (GRCh38, chr14:35,013,382, plus strand): 5'-ATCTTTTCTATTTAAACTTTCTAGCAACCTGATAACATTGTTTATGTGATGGATGCCTCC[A>G]TTGGGCAGGCTTGTGAAGCCCAGGCTAAGGCTTTTAAAGATAAAGTAGATGTAGCCTCAG-3'
Protein context (NP_003127.1, residues 215-235): DNIVYVMDAS[Ile225Val]GQACEAQAKA

ClinVar aggregate classification (germline): Uncertain significance (1 of 4 stars; one submission).

Allele frequency attached by ClinVar (database versions not stated): gnomAD exomes below 0.00001.
gnomAD v4.1: 2 of 1,614,050 alleles (0.00012%); highest among the groups gnomAD compares: East Asian, 0.0022%; no homozygotes.

Submission:

Labcorp Genetics (formerly Invitae), Labcorp
Classification: Uncertain significance. Last evaluated: 2024-10-03. Review status: criteria provided, single submitter. Criteria: Invitae Variant Classification Sherloc (09022015). Collection method: clinical testing. Allele origin: germline.
Comment: This sequence change replaces isoleucine, which is neutral and non-polar, with valine, which is neutral and non-polar, at codon 225 of the SRP54 protein (p.Ile225Val). This variant is not present in population databases (gnomAD no frequency). This variant has not been reported in the literature in individuals affected with SRP54-related conditions. ClinVar contains an entry for this variant (Variation ID: 1508564). Invitae Evidence Modeling of protein sequence and biophysical properties (such as structural, functional, and spatial information, amino acid conservation, physicochemical variation, residue mobility, and thermodynamic stability) has been performed for this missense variant. However, the output from this modeling did not meet the statistical confidence thresholds required to predict the impact of this variant on SRP54 protein function. In summary, the available evidence is currently insufficient to determine the role of this variant in disease. Therefore, it has been classified as a Variant of Uncertain Significance.